The following is an entry in ClinVar:

ClinVar aggregate classification (germline): Uncertain significance (1 of 4 stars; one submission).

Submission:

Labcorp Genetics (formerly Invitae), Labcorp
Classification: Uncertain significance. Last evaluated: 2024-02-10. Review status: criteria provided, single submitter. Criteria: Invitae Variant Classification Sherloc (09022015). Collection method: clinical testing. Allele origin: germline.
Comment: This sequence change replaces alanine, which is neutral and non-polar, with glutamic acid, which is acidic and polar, at codon 113 of the CD46 protein (p.Ala113Glu). This variant is not present in population databases (gnomAD no frequency). This variant has not been reported in the literature in individuals affected with CD46-related conditions. Advanced modeling of protein sequence and biophysical properties (such as structural, functional, and spatial information, amino acid conservation, physicochemical variation, residue mobility, and thermodynamic stability) performed at Invitae indicates that this missense variant is not expected to disrupt CD46 protein function with a negative predictive value of 80%. In summary, the available evidence is currently insufficient to determine the role of this variant in disease. Therefore, it has been classified as a Variant of Uncertain Significance.

NM_172351.3(CD46):c.338C>A (p.Ala113Glu)

Gene: CD46 (CD46 molecule; plus strand). Cytogenetic location: 1q32.2.
Variant type: single nucleotide variant.
Coding change: c.338C>A on transcript NM_172351.3 (MANE Select); coding-DNA position 338, C replaced by A.
Protein change: p.Ala113Glu; replaces alanine 113 with glutamic acid.
Molecular consequence: missense variant.
Genome position (GRCh38, 1-based): chr1:207,757,591, C>A. VCF-style: chr1-207757591-C-A. GRCh37 (hg19) VCF-style: chr1-207930936-C-A.
Other names: c.338C>A, p.Ala113Glu (NM_002389.4, NM_153826.4, NM_172350.3 and 8 more transcripts); short protein forms A113E.
Identifiers: ClinVar variation 3638430 (VCV003638430.2).